The following is an entry in ClinVar:

ClinVar aggregate classification (germline): Likely pathogenic (1 of 4 stars; one submission).

Conditions:
Developmental and epileptic encephalopathy, 11 (DEE11). Also called: Early infantile epileptic encephalopathy 11. Identifiers: Orphanet 1934, MedGen C3150987, MONDO:0013388, OMIM 613721.
Seizures, benign familial infantile, 3 (BFIS3). Also called: Familial neonatal seizures; CONVULSIONS, BENIGN FAMILIAL INFANTILE, 3. Identifiers: Orphanet 140927, Orphanet 306, MedGen C1843140, MONDO:0011904, OMIM 607745.

Submission:

Labcorp Genetics (formerly Invitae), Labcorp
Classification: Likely pathogenic for Seizures, benign familial infantile, 3; Developmental and epileptic encephalopathy, 11. Last evaluated: 2023-07-26. Review status: criteria provided, single submitter. Criteria: Invitae Variant Classification Sherloc (09022015). Collection method: clinical testing. Allele origin: germline.
Comment: In summary, the currently available evidence indicates that the variant is pathogenic, but additional data are needed to prove that conclusively. Therefore, this variant has been classified as Likely Pathogenic. This variant disrupts the p.Asn976 amino acid residue in SCN2A. Other variant(s) that disrupt this residue have been determined to be pathogenic (PMID: 26291284). This suggests that this residue is clinically significant, and that variants that disrupt this residue are likely to be disease-causing. Advanced modeling of protein sequence and biophysical properties (such as structural, functional, and spatial information, amino acid conservation, physicochemical variation, residue mobility, and thermodynamic stability) performed at Invitae indicates that this missense variant is expected to disrupt SCN2A protein function. This missense change has been observed in individual(s) with clinical features of SCN2A-related conditions (Invitae). This variant is not present in population databases (gnomAD no frequency). This sequence change replaces asparagine, which is neutral and polar, with histidine, which is basic and polar, at codon 976 of the SCN2A protein (p.Asn976His).

Literature cited by the submitters: PubMed 26291284.

NM_001040142.2(SCN2A):c.2926A>C (p.Asn976His)

Gene: SCN2A (sodium voltage-gated channel alpha subunit 2; plus strand). Cytogenetic location: 2q24.3.
Variant type: single nucleotide variant.
Coding change: c.2926A>C on transcript NM_001040142.2 (MANE Select); coding-DNA position 2926, A replaced by C.
Protein change: p.Asn976His; replaces asparagine 976 with histidine.
Molecular consequence: missense variant.
Genome position (GRCh38, 1-based): chr2:165,354,198, A>C. VCF-style: chr2-165354198-A-C. GRCh37 (hg19) VCF-style: chr2-166210708-A-C.
Other names: c.2926A>C, p.Asn976His (NM_001040143.2, NM_001371246.1, NM_001371247.1 and 1 more transcripts); short protein forms N976H.
Identifiers: ClinVar variation 2950020 (VCV002950020.3), dbSNP rs2468035550, ClinGen allele CA349019351.
Genomic context (GRCh38, chr2:165,354,198, plus strand): 5'-AGCAATTGAAGCAATAGAATGTTTTGATCACCTGTTTTTCCTGCTGTGTTTCAGGTTCTG[A>C]ACCTCTTCTTGGCCTTGCTTTTGAGTTCCTTCAGTTCTGACAATCTTGCTGCCACTGATG-3'
Protein context (NP_001035232.1, residues 966-986): VMVIGNLVVL[Asn976His]LFLALLLSSF